The following is an entry in ClinVar:

ClinVar aggregate classification (germline): Uncertain significance (1 of 4 stars; one submission).

Conditions:
Multiple gastrointestinal atresias. Also called: Multiple intestinal atresia; FAMILIAL INTESTINAL POLYATRESIA SYNDROME. Identifiers: Orphanet 2300, MedGen C0220744, MONDO:0009465.

Allele frequency attached by ClinVar (database versions not stated): gnomAD exomes 0.00004 and 0.00005; ExAC 0.00005; ESP Exome Variant Server 0.00008; gnomAD 0.00010 and 0.00011; TOPMed 0.00011; 1000 Genomes Project 0.00040; 1000 Genomes Project 30x 0.00047.
gnomAD v4.1: 87 of 1,614,122 alleles (0.0054%); highest among the groups gnomAD compares: African/African-American, 0.035%; no homozygotes.

Submission:

Labcorp Genetics (formerly Invitae), Labcorp
Classification: Uncertain significance for Multiple gastrointestinal atresias. Last evaluated: 2022-09-27. Review status: criteria provided, single submitter. Criteria: Invitae Variant Classification Sherloc (09022015). Collection method: clinical testing. Allele origin: germline.
Comment: This sequence change replaces threonine, which is neutral and polar, with methionine, which is neutral and non-polar, at codon 520 of the TTC7A protein (p.Thr520Met). This variant is present in population databases (rs142107031, gnomAD 0.02%). This variant has not been reported in the literature in individuals affected with TTC7A-related conditions. ClinVar contains an entry for this variant (Variation ID: 1035928). Advanced modeling of protein sequence and biophysical properties (such as structural, functional, and spatial information, amino acid conservation, physicochemical variation, residue mobility, and thermodynamic stability) performed at Invitae indicates that this missense variant is not expected to disrupt TTC7A protein function. In summary, the available evidence is currently insufficient to determine the role of this variant in disease. Therefore, it has been classified as a Variant of Uncertain Significance.

NM_020458.4(TTC7A):c.1559C>T (p.Thr520Met)

Gene: TTC7A (tetratricopeptide repeat domain 7A; plus strand). Cytogenetic location: 2p21.
Variant type: single nucleotide variant.
Coding change: c.1559C>T on transcript NM_020458.4 (MANE Select); coding-DNA position 1559, C replaced by T.
Protein change: p.Thr520Met; replaces threonine 520 with methionine.
Molecular consequence: missense variant.
Genome position (GRCh38, 1-based): chr2:47,023,456, C>T. VCF-style: chr2-47023456-C-T. GRCh37 (hg19) VCF-style: chr2-47250595-C-T.
Other names: c.1559C>T, p.Thr520Met (NM_001288951.2); c.1457C>T, p.Thr486Met (NM_001288953.2); c.497C>T, p.Thr166Met (NM_001288955.2); short protein forms T166M, T486M, T520M.
Identifiers: ClinVar variation 1035928 (VCV001035928.4), dbSNP rs142107031, ClinGen allele CA1647725.